The following is an entry in ClinVar:

ClinVar aggregate classification (germline): Uncertain significance (1 of 4 stars; one submission).

Conditions:
Hereditary cancer-predisposing syndrome. Also called: Neoplastic Syndromes, Hereditary; Tumor predisposition; Hereditary Cancer Syndrome; Hereditary neoplastic syndrome. Identifiers: Orphanet 140162, MedGen C0027672, MeSH D009386, MONDO:0015356.

Submission:

Ambry Genetics
Classification: Uncertain significance for Hereditary cancer-predisposing syndrome. Last evaluated: 2025-09-29. Review status: criteria provided, single submitter. Criteria: Ambry Variant Classification Scheme 2023. Collection method: clinical testing. Allele origin: germline.
Comment: The p.E311G variant (also known as c.932A>G), located in coding exon 9 of the PRKAR1A gene, results from an A to G substitution at nucleotide position 932. The glutamic acid at codon 311 is replaced by glycine, an amino acid with similar properties. This amino acid position is conserved. In addition, the in silico prediction for this alteration is inconclusive. Based on the available evidence, the clinical significance of this variant remains unclear.

NM_002734.5(PRKAR1A):c.932A>G (p.Glu311Gly)

Gene: PRKAR1A (protein kinase cAMP-dependent type I regulatory subunit alpha; plus strand). Cytogenetic location: 17q24.2.
Variant type: single nucleotide variant.
Coding change: c.932A>G on transcript NM_002734.5 (MANE Select); coding-DNA position 932, A replaced by G.
Protein change: p.Glu311Gly; replaces glutamic acid 311 with glycine.
Molecular consequence: missense variant.
Genome position (GRCh38, 1-based): chr17:68,529,960, A>G. VCF-style: chr17-68529960-A-G. GRCh37 (hg19) VCF-style: chr17-66526101-A-G.
Other names: c.932A>G, p.Glu311Gly (NM_001276289.2, NM_001276290.1, NM_001278433.2 and 4 more transcripts); short protein forms E311G.
Identifiers: ClinVar variation 4674206 (VCV004674206.1).
Genomic context (GRCh38, chr17:68,529,960, plus strand): 5'-TTTTGGTGATTTTATTATAGGGGTCAGCTGCTGTGCTACAACGTCGGTCAGAAAATGAAG[A>G]GTTTGTTGAAGTGGGAAGATTGGGGCCTTCTGATTATTTTGGTATGTATGAATTCCCTCA-3'
Protein context (NP_002725.1, residues 301-321): AVLQRRSENE[Glu311Gly]FVEVGRLGPS